The following is an entry in ClinVar:

ClinVar aggregate classification (germline): Benign/Likely benign. Review status: criteria provided, multiple submitters, no conflicts (2 of 4 stars). 5 submissions from 5 submitters: Benign (2); Likely benign (2). 1 of the submissions does not count toward it. Last evaluated 2026-01-19.

Conditions:
MYO18B-related disorder. Also called: MYO18B-related condition.

Allele frequency attached by ClinVar (database versions not stated): TOPMed 0.00099; gnomAD 0.00101 and 0.00128; gnomAD exomes 0.00181 and 0.00197; ExAC 0.00209; 1000 Genomes Project 0.00220; 1000 Genomes Project 30x 0.00234.
gnomAD v4.1: 2,873 of 1,613,950 alleles (0.18%); highest among the groups gnomAD compares: South Asian, 0.93%; 13 homozygotes.

Submissions (5):

Labcorp Genetics (formerly Invitae), Labcorp
Classification: Benign. Last evaluated: 2026-01-19. Review status: criteria provided, single submitter. Criteria: Invitae Variant Classification Sherloc (09022015). Collection method: clinical testing. Allele origin: germline.

Blueprint Genetics
Classification: Likely benign. Last evaluated: 2024-11-28. Review status: criteria provided, single submitter. Criteria: ACMG Guidelines, 2015. Collection method: clinical testing. Allele origin: germline.

CeGaT Center for Human Genetics Tuebingen
Classification: Likely benign. Last evaluated: 2023-03-01. Review status: criteria provided, single submitter. Criteria: CeGaT Center For Human Genetics Tuebingen Variant Classification Criteria Version 2. Collection method: clinical testing. Allele origin: germline. Affected: yes. Observed: 1 variant allele.
Comment: MYO18B: BP4, BS2

Breakthrough Genomics
Classification: Benign. Review status: criteria provided, single submitter. Criteria: ACMG Guidelines, 2015. Collection method: not provided. Allele origin: germline. Inheritance: Autosomal recessive inheritance. Affected: yes.

PreventionGenetics, part of Exact Sciences
Classification: Benign for MYO18B-related condition. Last evaluated: 2019-09-05. Review status: no assertion criteria provided. Collection method: clinical testing. Allele origin: germline. Not counted in ClinVar's aggregate classification.
Comment: This variant is classified as benign based on ACMG/AMP sequence variant interpretation guidelines (Richards et al. 2015 PMID: 25741868, with internal and published modifications).

NM_032608.7(MYO18B):c.7221G>A (p.Gln2407=)

Gene: MYO18B (myosin XVIIIB; plus strand). Cytogenetic location: 22q12.1.
Variant type: single nucleotide variant.
Coding change: c.7221G>A on transcript NM_032608.7 (MANE Select); coding-DNA position 7221, G replaced by A.
Protein change: p.Gln2407=; no amino-acid change (glutamine 2407 retained).
Molecular consequence: synonymous variant.
Genome position (GRCh38, 1-based): chr22:26,027,195, G>A. VCF-style: chr22-26027195-G-A. GRCh37 (hg19) VCF-style: chr22-26423161-G-A.
Other names: c.7224G>A, p.Gln2408= (NM_001318245.2).
Identifiers: ClinVar variation 729037 (VCV000729037.36), dbSNP rs201666386, ClinGen allele CA10161727.